The following is an entry in ClinVar:

ClinVar aggregate classification (germline): Uncertain significance (1 of 4 stars; one submission).

Conditions:
Idiopathic generalized epilepsy. Also called: Generalised epilepsy; EIG. Identifiers: MedGen C0270850, MONDO:0005579, OMIM 600669.

Allele frequency attached by ClinVar (database versions not stated): TOPMed below 0.00001; gnomAD 0.00001; gnomAD exomes 0.00001.
gnomAD v4.1: 5 of 1,611,992 alleles (0.00031%); highest among the groups gnomAD compares: African/African-American, 0.0027%; no homozygotes.

Submission:

Labcorp Genetics (formerly Invitae), Labcorp
Classification: Uncertain significance for Idiopathic generalized epilepsy. Last evaluated: 2020-12-02. Review status: criteria provided, single submitter. Criteria: Invitae Variant Classification Sherloc (09022015). Collection method: clinical testing. Allele origin: germline.
Comment: This sequence change replaces alanine with threonine at codon 102 of the RBFOX1 protein (p.Ala102Thr). The alanine residue is moderately conserved and there is a small physicochemical difference between alanine and threonine. In summary, the available evidence is currently insufficient to determine the role of this variant in disease. Therefore, it has been classified as a Variant of Uncertain Significance. Algorithms developed to predict the effect of missense changes on protein structure and function are either unavailable or do not agree on the potential impact of this missense change (SIFT: "Tolerated"; PolyPhen-2: "Probably Damaging"; Align-GVGD: "Class C0"). This variant has not been reported in the literature in individuals with RBFOX1-related conditions. This variant is not present in population databases (ExAC no frequency).

NM_018723.4(RBFOX1):c.244G>A (p.Ala82Thr)

Gene: RBFOX1 (RNA binding fox-1 homolog 1; plus strand). Cytogenetic location: 16p13.3.
Variant type: single nucleotide variant.
Coding change: c.244G>A on transcript NM_018723.4 (MANE Select); coding-DNA position 244, G replaced by A.
Protein change: p.Ala82Thr; replaces alanine 82 with threonine.
Molecular consequence: missense variant.
Genome position (GRCh38, 1-based): chr16:7,518,363, G>A. VCF-style: chr16-7518363-G-A. GRCh37 (hg19) VCF-style: chr16-7568365-G-A.
Other names: c.244G>A, p.Ala82Thr (NM_001142333.2, NM_001142334.2, NM_001364800.2); c.373G>A, p.Ala125Thr (NM_001308117.1); c.304G>A, p.Ala102Thr (NM_145891.3, NM_145892.3, NM_145893.3); short protein forms A102T, A82T, A125T.
Identifiers: ClinVar variation 1381934 (VCV001381934.8), dbSNP rs758714800, ClinGen allele CA277945211.
Genomic context (GRCh38, chr16:7,518,363, plus strand): 5'-ACATTAAACCTGTACCCTCCCGCCCAGACGCACTCCGAGCAGAGCCCGGCGGACACGAGC[G>A]CTCAGACCGTCTCTGGCACCGCCACAGTAAGTGGACGTGTTTGCTACGGGTGGGAGGTTA-3'
Protein context (NP_061193.2, residues 72-92): HSEQSPADTS[Ala82Thr]QTVSGTATQT